The following is an entry in ClinVar:

ClinVar aggregate classification (germline): Benign (1 of 4 stars; one submission).

Conditions:
Childhood apraxia of speech (SPCH1). Also called: DEVELOPMENTAL VERBAL DYSPRAXIA; Speech language disorder; FOXP2-Related Speech and Language Disorder; SPEECH AND LANGUAGE DISORDER WITH OROFACIAL DYSPRAXIA. Identifiers: Orphanet 209908, MedGen C0750927, MONDO:0011184, OMIM 602081.

Allele frequency attached by ClinVar (database versions not stated): gnomAD exomes below 0.00001; gnomAD 0.00001; ExAC 0.00002; 1000 Genomes Project 30x 0.00016; 1000 Genomes Project 0.00020.
gnomAD v4.1: 7 of 1,613,456 alleles (0.00043%); highest among the groups gnomAD compares: South Asian, 0.0066%; no homozygotes.

Submission:

Illumina Laboratory Services, Illumina
Classification: Benign for Childhood apraxia of speech. Last evaluated: 2018-01-12. Review status: criteria provided, single submitter. Criteria: ICSL Variant Classification Criteria 13 December 2019. Collection method: clinical testing. Allele origin: germline.
Comment: This variant was observed in the ICSL laboratory as part of a predisposition screen in an ostensibly healthy population. It had not been previously curated by ICSL or reported in the Human Gene Mutation Database (HGMD: prior to June 1st, 2018), and was therefore a candidate for classification through an automated scoring system. Utilizing variant allele frequency, disease prevalence and penetrance estimates, and inheritance mode, an automated score was calculated to assess if this variant is too frequent to cause the disease. Based on the score and internal cut-off values, a variant classified as benign is not then subjected to further curation. The score for this variant resulted in a classification of benign for this disease.

NM_014491.4(FOXP2):c.1982G>A (p.Gly661Asp)

Gene: FOXP2 (forkhead box P2; plus strand). Cytogenetic location: 7q31.1.
Variant type: single nucleotide variant.
Coding change: c.1982G>A on transcript NM_014491.4 (MANE Select); coding-DNA position 1982, G replaced by A.
Protein change: p.Gly661Asp; replaces glycine 661 with aspartic acid.
Molecular consequence: missense variant. On other transcripts: non-coding transcript variant (2).
Genome position (GRCh38, 1-based): chr7:114,664,415, G>A. VCF-style: chr7-114664415-G-A. GRCh37 (hg19) VCF-style: chr7-114304470-G-A.
Other names: c.1979G>A, p.Gly660Asp (NM_001172766.3); c.2057G>A, p.Gly686Asp (NM_148898.4); c.2033G>A, p.Gly678Asp (NM_148900.4); short protein forms G686D, G661D, G660D, G678D.
Identifiers: ClinVar variation 358611 (VCV000358611.5), dbSNP rs529427719, ClinGen allele CA4446260.